The following is an entry in ClinVar:

NM_017672.6(TRPM7):c.376A>G (p.Lys126Glu)

Gene: TRPM7 (transient receptor potential cation channel subfamily M member 7; minus strand). Cytogenetic location: 15q21.2.
Variant type: single nucleotide variant.
Coding change: c.376A>G on transcript NM_017672.6 (MANE Select); coding-DNA position 376, A replaced by G.
Protein change: p.Lys126Glu; replaces lysine 126 with glutamic acid.
Molecular consequence: missense variant. On other transcripts: non-coding transcript variant (3).
Genome position (GRCh38, 1-based): chr15:50,643,499, T>C on the plus strand (A>G on the coding strand, the complement: TRPM7 is on the minus strand). VCF-style: chr15-50643499-T-C. GRCh37 (hg19) VCF-style: chr15-50935696-T-C.
Other names: c.376A>G, p.Lys126Glu (NM_001301212.2); short protein forms K126E.
Identifiers: ClinVar variation 3363542 (VCV003363542.1).

ClinVar aggregate classification (germline): Uncertain significance (1 of 4 stars; one submission).

gnomAD v4.1: 7 of 1,614,056 alleles (0.00043%); highest among the groups gnomAD compares: Non-Finnish European, 0.00059%; no homozygotes.

Submission:

GeneDx
Classification: Uncertain significance. Last evaluated: 2023-10-26. Review status: criteria provided, single submitter. Criteria: GeneDx Variant Classification Process June 2021. Collection method: clinical testing. Allele origin: germline. Affected: yes.
Comment: In silico analysis supports that this missense variant has a deleterious effect on protein structure/function; Has not been previously published as pathogenic or benign to our knowledge